The following is an entry in ClinVar:

NM_022168.4(IFIH1):c.2688C>A (p.Tyr896Ter)

Gene: IFIH1 (interferon induced with helicase C domain 1; minus strand). Cytogenetic location: 2q24.2.
Variant type: single nucleotide variant.
Coding change: c.2688C>A on transcript NM_022168.4 (MANE Select); coding-DNA position 2688, C replaced by A.
Protein change: p.Tyr896Ter; replaces tyrosine 896 with a stop codon.
Molecular consequence: nonsense.
Genome position (GRCh38, 1-based): chr2:162,268,206, G>T on the plus strand (C>A on the coding strand, the complement: IFIH1 is on the minus strand). VCF-style: chr2-162268206-G-T. GRCh37 (hg19) VCF-style: chr2-163124716-G-T.
Other names: short protein forms Y896*.
Identifiers: ClinVar variation 2628088 (VCV002628088.1), dbSNP rs946205846, ClinGen allele CA348991786.

ClinVar aggregate classification (germline): Likely pathogenic (1 of 4 stars; one submission).

gnomAD v4.1: 2 of 1,612,498 alleles (0.00012%); highest among the groups gnomAD compares: Non-Finnish European, 0.000085%; no homozygotes.

Submission:

Institute of Human Genetics, FAU Erlangen, Friedrich-Alexander-Universität Erlangen-Nürnberg
Classification: Likely pathogenic. Last evaluated: 2023-11-14. Review status: criteria provided, single submitter. Criteria: Hauer et al. (Genet Med. 2018). Collection method: clinical testing. Allele origin: germline. Inheritance: Autosomal dominant inheritance. Affected: yes. Observed: 1 variant allele.
Comment: This variant has been identified by standard clinical testing. Selected ACMG criteria: Likely pathogenic (I):PM2;PVS1